The following is an entry in ClinVar:

ClinVar aggregate classification (germline): Pathogenic (1 of 4 stars; one submission).

Conditions:
Intellectual disability-microcephaly-strabismus-behavioral abnormalities syndrome. Also called: White-Sutton Syndrome. Identifiers: Orphanet 468678, MedGen C4225351, MONDO:0014606, OMIM 616364.

Submission:

HudsonAlpha Institute for Biotechnology
Classification: Pathogenic for Intellectual disability-microcephaly-strabismus-behavioral abnormalities syndrome. Last evaluated: 2022-03-17. Review status: criteria provided, single submitter. Criteria: ACMG Guidelines, 2015. Collection method: research. Allele origin: de novo. Affected: yes. Observed: 1 variant allele. Study: HudsonAlpha-AGHI-WGS.
Comment: ACMG codes: PVS1, PS2, PM2

NM_015100.4(POGZ):c.2700_2710del (p.Leu901fs)

Gene: POGZ (pogo transposable element derived with ZNF domain; minus strand). Cytogenetic location: 1q21.3.
Variant type: Deletion.
Coding change: c.2700_2710del on transcript NM_015100.4 (MANE Select); coding-DNA positions 2700 to 2710, 11 bases deleted (ACTAACTCCCT).
Protein change: p.Leu901fs; shifts the reading frame from leucine 901.
Molecular consequence: frameshift variant.
Genome position (GRCh38, 1-based): chr1:151,406,325-151,406,335, AGGGAGTTAGT deleted on the plus strand (ACTAACTCCCT on the coding strand, the reverse complement: POGZ is on the minus strand); deleting any 11 consecutive bases within chr1:151,406,325-151,406,337 gives the same sequence; the c. name uses the placement nearest the transcript's 3' end. VCF-style (leftmost placement, unchanged base first): chr1-151406324-AAGGGAGTTAGT-A. GRCh37 (hg19) VCF-style: chr1-151378800-AAGGGAGTTAGT-A.
Other names: c.2673_2683del, p.Leu892fs (NM_001194937.2); c.2514_2524del, p.Leu839fs (NM_001194938.2); c.2415_2425del, p.Leu806fs (NM_145796.4); c.2541_2551del, p.Leu848fs (NM_207171.2); short protein forms L806fs, L839fs, L848fs, L892fs, L901fs.
Identifiers: ClinVar variation 1684515 (VCV001684515.1), dbSNP rs2102150015, ClinGen allele CA2573131064.